The following is an entry in ClinVar:

NM_001018115.3(FANCD2):c.2255T>C (p.Ile752Thr)

Genes: FANCD2 (FA complementation group D2; plus strand), LOC107303338 (3p25 FANCD2 Alu-mediated recombination region; plus strand). Cytogenetic location: 3p25.3.
Variant type: single nucleotide variant.
Coding change: c.2255T>C on transcript NM_001018115.3 (MANE Select); coding-DNA position 2255, T replaced by C.
Protein change: p.Ile752Thr; replaces isoleucine 752 with threonine.
Molecular consequence: missense variant.
Genome position (GRCh38, 1-based): chr3:10,065,480, T>C. VCF-style: chr3-10065480-T-C. GRCh37 (hg19) VCF-style: chr3-10107164-T-C.
Other names: c.2255T>C, p.Ile752Thr (NM_001319984.2, NM_001374254.1, NM_033084.6); c.2144T>C, p.Ile715Thr (NM_001374253.1); short protein forms I715T, I752T.
Identifiers: ClinVar variation 2913870 (VCV002913870.3), dbSNP rs2087693474, ClinGen allele CA351734937.
Genomic context (GRCh38, chr3:10,065,480, plus strand): 5'-CGTATTTCCGGTTACTGAGACTTTGTGTGGAGAGACAGCATAACGGAAACTTGGAGGAGA[T>C]TGATGGTCTACTAGGTATGGGATGAAGTCATCAGATCCTTTCTTCTTTATACTCTTCCTT-3'
Protein context (NP_001018125.1, residues 742-762): ERQHNGNLEE[Ile752Thr]DGLLDCPIFL

ClinVar aggregate classification (germline): Uncertain significance (1 of 4 stars; one submission).

Conditions:
Fanconi anemia (FA). Also called: Fanconi's anemia. Identifiers: Orphanet 84, MedGen C0015625, MeSH D005199, MONDO:0019391.

Allele frequency attached by ClinVar (database versions not stated): gnomAD exomes below 0.00001; TOPMed below 0.00001.

Submission:

Labcorp Genetics (formerly Invitae), Labcorp
Classification: Uncertain significance for Fanconi anemia. Last evaluated: 2023-09-30. Review status: criteria provided, single submitter. Criteria: Invitae Variant Classification Sherloc (09022015). Collection method: clinical testing. Allele origin: germline.
Comment: This sequence change replaces isoleucine, which is neutral and non-polar, with threonine, which is neutral and polar, at codon 752 of the FANCD2 protein (p.Ile752Thr). This variant is not present in population databases (gnomAD no frequency). This variant has not been reported in the literature in individuals affected with FANCD2-related conditions. Advanced modeling of protein sequence and biophysical properties (such as structural, functional, and spatial information, amino acid conservation, physicochemical variation, residue mobility, and thermodynamic stability) performed at Invitae indicates that this missense variant is expected to disrupt FANCD2 protein function. In summary, the available evidence is currently insufficient to determine the role of this variant in disease. Therefore, it has been classified as a Variant of Uncertain Significance.